The following is an entry in ClinVar:

NM_005708.5(GPC6):c.1234G>A (p.Val412Met)

Gene: GPC6 (glypican 6; plus strand). Cytogenetic location: 13q31.3.
Variant type: single nucleotide variant.
Coding change: c.1234G>A on transcript NM_005708.5 (MANE Select); coding-DNA position 1234, G replaced by A.
Protein change: p.Val412Met; replaces valine 412 with methionine.
Molecular consequence: missense variant.
Genome position (GRCh38, 1-based): chr13:94,382,495, G>A. VCF-style: chr13-94382495-G-A. GRCh37 (hg19) VCF-style: chr13-95034749-G-A.
Other names: short protein forms V412M.
Identifiers: ClinVar variation 312547 (VCV000312547.17), dbSNP rs1535692, ClinGen allele CA7017125.

ClinVar aggregate classification (germline): Benign. Review status: criteria provided, multiple submitters, no conflicts (2 of 4 stars). 6 submissions from 6 submitters: Benign (6). Last evaluated 2026-02-04.

Conditions:
Autosomal recessive omodysplasia (OMOD1). Also called: MICROMELIC DYSPLASIA, CONGENITAL, WITH DISLOCATION OF RADIUS. Identifiers: Orphanet 2733, Orphanet 93329, MedGen C1850318, MONDO:0009779, OMIM 258315.

Allele frequency attached by ClinVar (database versions not stated): ESP Exome Variant Server 0.15301; 1000 Genomes Project 30x 0.16505; 1000 Genomes Project 0.17093; TOPMed 0.17241; gnomAD 0.17412 and 0.17631; gnomAD exomes 0.19560 and 0.21819; ExAC 0.21057.
gnomAD v4.1: 312,423 of 1,613,826 alleles (19%); highest among the groups gnomAD compares: Admixed American, 31%; 32,202 homozygotes.

Submissions (6):

Labcorp Genetics (formerly Invitae), Labcorp
Classification: Benign. Last evaluated: 2026-02-04. Review status: criteria provided, single submitter. Criteria: Invitae Variant Classification Sherloc (09022015). Collection method: clinical testing. Allele origin: germline.

Genome-Nilou Lab
Classification: Benign for Autosomal recessive omodysplasia. Last evaluated: 2021-08-10. Review status: criteria provided, single submitter. Criteria: ACMG Guidelines, 2015. Collection method: clinical testing. Allele origin: germline. Affected: no.

GeneDx
Classification: Benign. Last evaluated: 2021-05-04. Review status: criteria provided, single submitter. Criteria: GeneDx Variant Classification Process June 2021. Collection method: clinical testing. Allele origin: germline. Affected: yes.

Mendelics
Classification: Benign for Autosomal recessive omodysplasia. Last evaluated: 2019-05-28. Review status: criteria provided, single submitter. Criteria: Mendelics Assertion Criteria 2017. Collection method: clinical testing. Allele origin: unknown.

Illumina Laboratory Services, Illumina
Classification: Benign for Autosomal recessive omodysplasia. Last evaluated: 2018-01-13. Review status: criteria provided, single submitter. Criteria: ICSL Variant Classification Criteria 13 December 2019. Collection method: clinical testing. Allele origin: germline.
Comment: This variant was observed in the ICSL laboratory as part of a predisposition screen in an ostensibly healthy population. It had not been previously curated by ICSL or reported in the Human Gene Mutation Database (HGMD: prior to June 1st, 2018), and was therefore a candidate for classification through an automated scoring system. Utilizing variant allele frequency, disease prevalence and penetrance estimates, and inheritance mode, an automated score was calculated to assess if this variant is too frequent to cause the disease. Based on the score and internal cut-off values, a variant classified as benign is not then subjected to further curation. The score for this variant resulted in a classification of benign for this disease.

Breakthrough Genomics
Classification: Benign. Review status: criteria provided, single submitter. Criteria: ACMG Guidelines, 2015. Collection method: not provided. Allele origin: germline. Inheritance: Autosomal recessive inheritance. Affected: yes.